The following is an entry in ClinVar:

NM_032409.3(PINK1):c.1220G>T (p.Arg407Leu)

Genes: PINK1 (PTEN induced kinase 1; plus strand), PINK1-AS (PINK1 antisense RNA; minus strand). Cytogenetic location: 1p36.12.
Variant type: single nucleotide variant.
Coding change: c.1220G>T on transcript NM_032409.3 (MANE Select); coding-DNA position 1220, G replaced by T.
Protein change: p.Arg407Leu; replaces arginine 407 with leucine.
Molecular consequence: missense variant. On other transcripts: non-coding transcript variant (1).
Genome position (GRCh38, 1-based): chr1:20,648,601, G>T. VCF-style: chr1-20648601-G-T. GRCh37 (hg19) VCF-style: chr1-20975094-G-T.
Other names: short protein forms R407L.
Identifiers: ClinVar variation 2570716 (VCV002570716.27), dbSNP rs556540177, ClinGen allele CA660739.

ClinVar aggregate classification (germline): Uncertain significance (1 of 4 stars; one submission).

Submission:

CeGaT Center for Human Genetics Tuebingen
Classification: Uncertain significance. Last evaluated: 2023-04-01. Review status: criteria provided, single submitter. Criteria: CeGaT Center For Human Genetics Tuebingen Variant Classification Criteria Version 2. Collection method: clinical testing. Allele origin: germline. Affected: yes. Observed: 1 variant allele.
Comment: PINK1: PM2, PM5:Supporting, PS3:Supporting, BP4